The following is an entry in ClinVar:

NM_001193315.2(VIPAS39):c.1295A>G (p.Glu432Gly)

Gene: VIPAS39 (VPS33B interacting protein, apical-basolateral polarity regulator, spe-39 homolog; minus strand). Cytogenetic location: 14q24.3.
Variant type: single nucleotide variant.
Coding change: c.1295A>G on transcript NM_001193315.2 (MANE Select); coding-DNA position 1295, A replaced by G.
Protein change: p.Glu432Gly; replaces glutamic acid 432 with glycine.
Molecular consequence: missense variant. On other transcripts: non-coding transcript variant (1).
Genome position (GRCh38, 1-based): chr14:77,429,067, T>C on the plus strand (A>G on the coding strand, the complement: VIPAS39 is on the minus strand). VCF-style: chr14-77429067-T-C. GRCh37 (hg19) VCF-style: chr14-77895410-T-C.
Other names: c.1295A>G, p.Glu432Gly (NM_001193314.2, NM_001193317.2, NM_001400326.1 and 2 more transcripts); c.1148A>G, p.Glu383Gly (NM_001193316.2, NM_001400324.1, NM_001400325.1); c.1262A>G, p.Glu421Gly (NM_001400327.1); c.1208A>G, p.Glu403Gly (NM_001400330.1, NM_001400331.1, NM_001400332.1); c.1202A>G, p.Glu401Gly (NM_001400333.1, NM_001400334.1); c.1160A>G, p.Glu387Gly (NM_001400336.1); c.1055A>G, p.Glu352Gly (NM_001400337.1); c.1016A>G, p.Glu339Gly (NM_001400338.1); and 1 more; short protein forms E339G, E401G, E421G, E337G, E352G, E383G, E387G, E403G.
Identifiers: ClinVar variation 4998363 (VCV004998363.1).

ClinVar aggregate classification (germline): Uncertain significance (1 of 4 stars; one submission).

Conditions:
VIPAS39-related disorder. Also called: VIPAS39-related condition.

gnomAD v4.1: 1 of 1,614,018 alleles (0.000062%); highest among the groups gnomAD compares: South Asian, 0.0011%; no homozygotes.

Submission:

PreventionGenetics, part of Exact Sciences
Classification: Uncertain significance for VIPAS39-related condition. Last evaluated: 2025-07-31. Review status: criteria provided, single submitter. Criteria: ACMG Guidelines, 2015. Collection method: clinical testing. Allele origin: germline.
Comment: The VIPAS39 c.1295A>G variant is predicted to result in the amino acid substitution p.Glu432Gly. To our knowledge, this variant has not been reported in the literature. This variant is reported in 0.0033% of alleles in individuals of South Asian descent in gnomAD. At this time, the clinical significance of this variant is uncertain due to the absence of conclusive functional and genetic evidence.